The following is an entry in ClinVar:

ClinVar aggregate classification (germline): Likely benign. Review status: criteria provided, single submitter (1 of 4 stars). 2 submissions from 2 submitters: Likely benign (1). 1 of the submissions does not count toward it. Last evaluated 2018-06-01.

Conditions:
TRIO-related disorder. Also called: TRIO-related condition; TRIO-related disorders.

Allele frequency attached by ClinVar (database versions not stated): gnomAD 0.00001; TOPMed 0.00003; ExAC 0.00006; gnomAD exomes 0.00006.
gnomAD v4.1: 85 of 1,608,752 alleles (0.0053%); highest among the groups gnomAD compares: Admixed American, 0.025%; no homozygotes.

Submissions (2):

Labcorp Genetics (formerly Invitae), Labcorp
Classification: Likely benign. Last evaluated: 2018-06-01. Review status: criteria provided, single submitter. Criteria: Invitae Variant Classification Sherloc (09022015). Collection method: clinical testing. Allele origin: germline.

PreventionGenetics, part of Exact Sciences
Classification: Likely benign for TRIO-related condition. Last evaluated: 2022-09-15. Review status: no assertion criteria provided. Collection method: clinical testing. Allele origin: germline. Not counted in ClinVar's aggregate classification.
Comment: This variant is classified as likely benign based on ACMG/AMP sequence variant interpretation guidelines (Richards et al. 2015 PMID: 25741868, with internal and published modifications).

NM_007118.4(TRIO):c.1731+10G>A

Gene: TRIO (trio Rho guanine nucleotide exchange factor; plus strand). Cytogenetic location: 5p15.2.
Variant type: single nucleotide variant.
Coding change: c.1731+10G>A on transcript NM_007118.4 (MANE Select); 10 bases into the intron after coding-DNA position 1731, G replaced by A.
Molecular consequence: intron variant.
Genome position (GRCh38, 1-based): chr5:14,316,753, G>A. VCF-style: chr5-14316753-G-A. GRCh37 (hg19) VCF-style: chr5-14316862-G-A.
Identifiers: ClinVar variation 724663 (VCV000724663.5), dbSNP rs761296178, ClinGen allele CA3205705.